The following is an entry in ClinVar:

ClinVar aggregate classification (germline): Benign/Likely benign. Review status: criteria provided, multiple submitters, no conflicts (2 of 4 stars). 2 submissions from 2 submitters: Benign (1); Likely benign (1). Last evaluated 2024-03-27.

Conditions:
Familial adenomatous polyposis 1 (FAP1). Also called: FAMILIAL ADENOMATOUS POLYPOSIS 1, ATTENUATED; POLYPOSIS, ADENOMATOUS INTESTINAL. Identifiers: MedGen C2713442, MONDO:0021056, OMIM 175100. Disease mechanism: loss of function.
Hereditary cancer-predisposing syndrome. Also called: Neoplastic Syndromes, Hereditary; Tumor predisposition; Hereditary Cancer Syndrome; Hereditary neoplastic syndrome. Identifiers: Orphanet 140162, MedGen C0027672, MeSH D009386, MONDO:0015356.

Submissions (2):

Myriad Genetics, Inc.
Classification: Benign for Familial adenomatous polyposis 1. Last evaluated: 2024-03-27. Review status: criteria provided, single submitter. Criteria: Myriad Autosomal Dominant, Autosomal Recessive and X-Linked Classification Criteria (2023). Collection method: clinical testing. Allele origin: unknown.
Comment: This variant is considered benign. This variant is a silent/synonymous amino acid change and it is not expected to impact splicing.

Color Diagnostics, LLC DBA Color Health
Classification: Likely benign for Hereditary cancer-predisposing syndrome. Last evaluated: 2022-11-22. Review status: criteria provided, single submitter. Criteria: ACMG Guidelines, 2015. Collection method: clinical testing. Allele origin: germline.

NM_000038.6(APC):c.4791T>G (p.Thr1597=)

Gene: APC (APC regulator of Wnt signaling pathway; plus strand). Cytogenetic location: 5q22.2.
Variant type: single nucleotide variant.
Coding change: c.4791T>G on transcript NM_000038.6 (MANE Select); coding-DNA position 4791, T replaced by G.
Protein change: p.Thr1597=; no amino-acid change (threonine 1597 retained).
Molecular consequence: synonymous variant. On other transcripts: non-coding transcript variant (2).
Genome position (GRCh38, 1-based): chr5:112,840,385, T>G. VCF-style: chr5-112840385-T-G. GRCh37 (hg19) VCF-style: chr5-112176082-T-G.
Other names: c.4791T>G, p.Thr1597= (NM_001127510.3, NM_001354895.2, NM_001407450.1); c.4737T>G, p.Thr1579= (NM_001127511.3); c.4845T>G, p.Thr1615= (NM_001354896.2, NM_001407447.1, NM_001407448.1 and 1 more transcripts); c.4821T>G, p.Thr1607= (NM_001354897.2); c.4716T>G, p.Thr1572= (NM_001354898.2); c.4707T>G, p.Thr1569= (NM_001354899.2); c.4668T>G, p.Thr1556= (NM_001354900.2); c.4614T>G, p.Thr1538= (NM_001354901.2, NM_001407453.1); and 11 more.
Identifiers: ClinVar variation 2775071 (VCV002775071.3), dbSNP rs2533600139, ClinGen allele CA446208040.
Genomic context (GRCh38, chr5:112,840,385, plus strand): 5'-ATGTATTATTTCTGCCATGCCAACAAAGTCATCACGTAAAGCAAAAAAGCCAGCCCAGAC[T>G]GCTTCAAAATTACCTCCACCTGTGGCAAGGAAACCAAGTCAGCTGCCTGTGTACAAACTT-3'
Protein context (NP_000029.2, residues 1587-1607): SSRKAKKPAQ[Thr1597=]ASKLPPPVAR